The following is an entry in ClinVar:

NM_015346.4(ZFYVE26):c.1093C>T (p.Leu365Phe)

Gene: ZFYVE26 (zinc finger FYVE-type containing 26; minus strand). Cytogenetic location: 14q24.1.
Variant type: single nucleotide variant.
Coding change: c.1093C>T on transcript NM_015346.4 (MANE Select); coding-DNA position 1093, C replaced by T.
Protein change: p.Leu365Phe; replaces leucine 365 with phenylalanine.
Molecular consequence: missense variant.
Genome position (GRCh38, 1-based): chr14:67,805,543, G>A on the plus strand (C>T on the coding strand, the complement: ZFYVE26 is on the minus strand). VCF-style: chr14-67805543-G-A. GRCh37 (hg19) VCF-style: chr14-68272260-G-A.
Other names: short protein forms L365F.
Identifiers: ClinVar variation 3716743 (VCV003716743.2).
Genomic context (GRCh38, chr14:67,805,543, plus strand): 5'-TCTTGGCTGACTCTAGGCTCTGGCAGTGTGTCCAGCCCAGGAGTACAAGCAGGCAACTGA[G>A]GGGCCTGAATTCTCTATCAAGTAGGCAGCCAAGATTTGGGAAGTCTTCTTCTTTCAACAA-3'
Protein context (NP_056161.2, residues 355-375): GCLLDREFRP[Leu365Phe]SCLLVLLGWT

ClinVar aggregate classification (germline): Uncertain significance (1 of 4 stars; one submission).

Conditions:
Spastic paraplegia. Identifiers: MedGen C0037772, HP:0001258.

Submission:

Labcorp Genetics (formerly Invitae), Labcorp
Classification: Uncertain significance for Spastic paraplegia. Last evaluated: 2024-10-01. Review status: criteria provided, single submitter. Criteria: Invitae Variant Classification Sherloc (09022015). Collection method: clinical testing. Allele origin: germline.
Comment: This sequence change replaces leucine, which is neutral and non-polar, with phenylalanine, which is neutral and non-polar, at codon 365 of the ZFYVE26 protein (p.Leu365Phe). This variant is not present in population databases (gnomAD no frequency). This variant has not been reported in the literature in individuals affected with ZFYVE26-related conditions. An algorithm developed to predict the effect of missense changes on protein structure and function (PolyPhen-2) suggests that this variant is likely to be disruptive. In summary, the available evidence is currently insufficient to determine the role of this variant in disease. Therefore, it has been classified as a Variant of Uncertain Significance.